The following is an entry in ClinVar:

NM_005198.5(CHKB):c.582-53C>A

Genes: CHKB (choline kinase beta; minus strand), CHKB-CPT1B (CHKB-CPT1B readthrough (NMD candidate); minus strand). Cytogenetic location: 22q13.33.
Variant type: single nucleotide variant.
Coding change: c.582-53C>A on transcript NM_005198.5 (MANE Select); 53 bases into the intron before coding-DNA position 582, C replaced by A.
Molecular consequence: intron variant.
Genome position (GRCh38, 1-based): chr22:50,580,713, G>T on the plus strand (C>A on the coding strand, the complement: CHKB is on the minus strand). VCF-style: chr22-50580713-G-T. GRCh37 (hg19) VCF-style: chr22-51019142-G-T.
Identifiers: ClinVar variation 676727 (VCV000676727.2), dbSNP rs74846249, ClinGen allele CA325537690.

ClinVar aggregate classification (germline): Benign. Review status: criteria provided, multiple submitters, no conflicts (2 of 4 stars). 2 submissions from 2 submitters: Benign (2). Last evaluated 2018-06-18.

Allele frequency attached by ClinVar (database versions not stated): ESP Exome Variant Server 0.07359; gnomAD 0.08271 and 0.08305; TOPMed 0.09224; 1000 Genomes Project 30x 0.11477; 1000 Genomes Project 0.11482.
gnomAD v4.1: 38,080 of 1,529,150 alleles (2.5%); highest among the groups gnomAD compares: African/African-American, 25%; 3,034 homozygotes.

Submissions (2):

GeneDx
Classification: Benign. Last evaluated: 2018-06-18. Review status: criteria provided, single submitter. Criteria: GeneDx Variant Classification (06012015). Collection method: clinical testing. Allele origin: germline. Affected: yes.
Comment: This variant is considered likely benign or benign based on one or more of the following criteria: it is a conservative change, it occurs at a poorly conserved position in the protein, it is predicted to be benign by multiple in silico algorithms, and/or has population frequency not consistent with disease.

Breakthrough Genomics
Classification: Benign. Review status: criteria provided, single submitter. Criteria: ACMG Guidelines, 2015. Collection method: not provided. Allele origin: germline. Inheritance: Autosomal recessive inheritance. Affected: yes.